The following is an entry in ClinVar:

NM_001003722.2(GLE1):c.199_202del (p.Ser67fs)

Gene: GLE1 (GLE1 RNA export mediator; plus strand). Cytogenetic location: 9q34.11.
Variant type: Microsatellite.
Coding change: c.199_202del on transcript NM_001003722.2 (MANE Select); coding-DNA positions 199 to 202, 4 bases deleted (TCTG; older notation c.199_202delTCTG).
Protein change: p.Ser67fs; shifts the reading frame from serine 67.
Molecular consequence: frameshift variant.
Genome position (GRCh38, 1-based): chr9:128,508,975-128,508,978, TCTG deleted; deleting any 4 consecutive bases within chr9:128,508,971-128,508,978 gives the same sequence; the c. name uses the placement nearest the transcript's 3' end. VCF-style (leftmost placement, unchanged base first): chr9-128508970-CTCTG-C. GRCh37 (hg19) VCF-style: chr9-131271249-CTCTG-C.
Other names: c.199_202del, p.Ser67fs (NM_001499.2); short protein forms S67fs.
Identifiers: ClinVar variation 1074819 (VCV001074819.7), dbSNP rs1407708384, ClinGen allele CA590941392.
Genomic context (GRCh38, chr9:128,508,970, plus strand): 5'-TATCTTCTTATTCTGGATGGGTGGTAGAGCACGTCCTACCCCATATGCAGGAGAACCAAC[CTCTG>C]TCTGAGACTTCGCCATCCTCTACGTCAGCTTCAGCCCTAGATCAACCCTCATTTGTTCCC-3'

ClinVar aggregate classification (germline): Pathogenic (1 of 4 stars; one submission).

Submission:

Labcorp Genetics (formerly Invitae), Labcorp
Classification: Pathogenic. Last evaluated: 2020-12-02. Review status: criteria provided, single submitter. Criteria: Invitae Variant Classification Sherloc (09022015). Collection method: clinical testing. Allele origin: germline.
Comment: For these reasons, this variant has been classified as Pathogenic. This variant has not been reported in the literature in individuals with GLE1-related conditions. This variant is not present in population databases (ExAC no frequency). This sequence change creates a premature translational stop signal (p.Ser67Argfs*12) in the GLE1 gene. It is expected to result in an absent or disrupted protein product. Loss-of-function variants in GLE1 are known to be pathogenic (PMID: 18204449, 24243016, 27684565).

Literature cited by the submitters: PubMed 18204449; PubMed 24243016; PubMed 27684565.